The following is an entry in ClinVar:

ClinVar aggregate classification (germline): Uncertain significance. Review status: criteria provided, multiple submitters, no conflicts (2 of 4 stars). 2 submissions from 2 submitters: Uncertain significance (2). Last evaluated 2025-12-24.

Conditions:
Syndromic intellectual disability. Also called: Intellectual disability syndrome. Identifiers: Orphanet 183763, MedGen C5680525, MONDO:0000508.

Submissions (2):

Dasa
Classification: Uncertain significance for Syndromic intellectual disability. Last evaluated: 2025-12-24. Review status: criteria provided, single submitter. Criteria: DASA Assertion Criteria. Collection method: clinical testing. Allele origin: germline.
Comment: NM_030632.3(ASXL3):c.4119_4121dup (p.Lys1373_Ile1374insMet) is an in-frame insertion/deletion-insertion predicted to alter the protein sequence without shifting the reading frame. This variant is rare in population databases. The currently available literature and clinical evidence are not sufficient to establish a definitive association between this variant and the reported condition. Therefore, this variant is classified as a variant of uncertain significance.

GeneDx
Classification: Uncertain significance. Last evaluated: 2025-04-17. Review status: criteria provided, single submitter. Criteria: GeneDx Variant Classification Process June 2021. Collection method: clinical testing. Allele origin: germline. Affected: yes.
Comment: In-frame insertion of 1 amino acid in a non-repeat region; Has not been previously published as pathogenic or benign to our knowledge

NM_030632.3(ASXL3):c.4119_4121dup (p.Lys1373_Ile1374insMet)

Gene: ASXL3 (ASXL transcriptional regulator 3; plus strand). Cytogenetic location: 18q12.1.
Variant type: Duplication.
Coding change: c.4119_4121dup on transcript NM_030632.3 (MANE Select); coding-DNA positions 4119 to 4121, 3 bases duplicated (GAT; older notation c.4119_4121dupGAT).
Protein change: p.Lys1373_Ile1374insMet.
Molecular consequence: inframe insertion.
Genome position (GRCh38, 1-based): chr18:33,743,967-33,743,969, GAT duplicated. VCF-style (leftmost placement, unchanged base first): chr18-33743966-A-AGAT. GRCh37 (hg19) VCF-style: chr18-31323930-A-AGAT.
Identifiers: ClinVar variation 4282260 (VCV004282260.3).